The following is an entry in ClinVar:

ClinVar aggregate classification (germline): Uncertain significance (1 of 4 stars; one submission).

gnomAD v4.1: 6 of 1,613,744 alleles (0.00037%); highest among the groups gnomAD compares: Admixed American, 0.01%; no homozygotes.

Submission:

Labcorp Genetics (formerly Invitae), Labcorp
Classification: Uncertain significance. Last evaluated: 2025-10-02. Review status: criteria provided, single submitter. Criteria: Invitae Variant Classification Sherloc (09022015). Collection method: clinical testing. Allele origin: germline.
Comment: This sequence change replaces glycine, which is neutral and non-polar, with alanine, which is neutral and non-polar, at codon 481 of the AUTS2 protein (p.Gly481Ala). This variant is present in population databases (rs752310034, gnomAD 0.01%). This variant has not been reported in the literature in individuals affected with AUTS2-related conditions. ClinVar contains an entry for this variant (Variation ID: 3671117). Invitae Evidence Modeling of protein sequence and biophysical properties (such as structural, functional, and spatial information, amino acid conservation, physicochemical variation, residue mobility, and thermodynamic stability) indicates that this missense variant is not expected to disrupt AUTS2 protein function with a negative predictive value of 80%. In summary, the available evidence is currently insufficient to determine the role of this variant in disease. Therefore, it has been classified as a Variant of Uncertain Significance.

NM_015570.4(AUTS2):c.1442G>C (p.Gly481Ala)

Gene: AUTS2 (activator of transcription and developmental regulator AUTS2; plus strand). Cytogenetic location: 7q11.22.
Variant type: single nucleotide variant.
Coding change: c.1442G>C on transcript NM_015570.4 (MANE Select); coding-DNA position 1442, G replaced by C.
Protein change: p.Gly481Ala; replaces glycine 481 with alanine.
Molecular consequence: missense variant.
Genome position (GRCh38, 1-based): chr7:70,764,979, G>C. VCF-style: chr7-70764979-G-C. GRCh37 (hg19) VCF-style: chr7-70229965-G-C.
Other names: c.1442G>C, p.Gly481Ala (NM_001127231.3); short protein forms G481A.
Identifiers: ClinVar variation 3671117 (VCV003671117.2).